The following is an entry in ClinVar:

NM_080680.3(COL11A2):c.5191C>A (p.Pro1731Thr)

Gene: COL11A2 (collagen type XI alpha 2 chain; minus strand). Cytogenetic location: 6p21.32.
Variant type: single nucleotide variant.
Coding change: c.5191C>A on transcript NM_080680.3 (MANE Select); coding-DNA position 5191, C replaced by A.
Protein change: p.Pro1731Thr; replaces proline 1731 with threonine.
Molecular consequence: missense variant.
Genome position (GRCh38, 1-based): chr6:33,163,698, G>T on the plus strand (C>A on the coding strand, the complement: COL11A2 is on the minus strand). VCF-style: chr6-33163698-G-T. GRCh37 (hg19) VCF-style: chr6-33131475-G-T.
Other names: c.5011C>A, p.Pro1671Thr (NM_001424108.1); c.4345C>A, p.Pro1449Thr (NM_001424109.1); c.4165C>A, p.Pro1389Thr (NM_001424110.1, NM_001424111.1); c.3145C>A, p.Pro1049Thr (NM_001424112.1); c.4870C>A, p.Pro1624Thr (NM_080679.3); c.4933C>A, p.Pro1645Thr (NM_080681.3); c.5191C>A (NM_080680.2); short protein forms P1049T, P1389T, P1449T, P1624T, P1645T, P1671T, P1731T.
Identifiers: ClinVar variation 3601062 (VCV003601062.2).

ClinVar aggregate classification (germline): Conflicting classifications of pathogenicity. Review status: criteria provided, conflicting classifications (1 of 4 stars). 2 submissions from 2 submitters: Likely pathogenic (1); Uncertain significance (1). Last evaluated 2025-01-09.

Conditions:
Autosomal recessive nonsyndromic hearing loss 53. Identifiers: Orphanet 90636, MedGen C1864746, MONDO:0012333, OMIM 609706.

Submissions (2):

Institute of Rare Diseases, West China Hospital, Sichuan University
Classification: Likely pathogenic for Autosomal recessive nonsyndromic hearing loss 53. Last evaluated: 2025-01-09. Review status: criteria provided, single submitter. Criteria: ClinGen HL ACMG Specifications v1. Collection method: research. Allele origin: germline. Affected: yes.

GeneDx
Classification: Uncertain significance. Last evaluated: 2024-10-20. Review status: criteria provided, single submitter. Criteria: GeneDx Variant Classification Process June 2021. Collection method: clinical testing. Allele origin: germline. Affected: yes.
Comment: Not observed at significant frequency in large population cohorts (gnomAD); In silico analysis supports that this missense variant has a deleterious effect on protein structure/function; Has not been previously published as pathogenic or benign to our knowledge